The following is an entry in ClinVar:

ClinVar aggregate classification (germline): Likely pathogenic (1 of 4 stars; one submission).

Conditions:
ALG12-congenital disorder of glycosylation (CDG1G). Also called: Congenital disorder of glycosylation, type Ig; CDG Ig; ALG12-CDG. Identifiers: Orphanet 79324, MedGen C2931001, MONDO:0011783, OMIM 607143.

Submission:

Labcorp Genetics (formerly Invitae), Labcorp
Classification: Likely pathogenic for ALG12-congenital disorder of glycosylation. Last evaluated: 2022-02-17. Review status: criteria provided, single submitter. Criteria: Invitae Variant Classification Sherloc (09022015). Collection method: clinical testing. Allele origin: germline.
Comment: In summary, the currently available evidence indicates that the variant is pathogenic, but additional data are needed to prove that conclusively. Therefore, this variant has been classified as Likely Pathogenic. Algorithms developed to predict the effect of sequence changes on RNA splicing suggest that this variant may disrupt the consensus splice site. This variant has not been reported in the literature in individuals affected with ALG12-related conditions. This variant is not present in population databases (gnomAD no frequency). This variant results in the deletion of part of exon 4 (c.439_469+19del) of the ALG12 gene. It is expected to disrupt RNA splicing. Variants that disrupt the donor or acceptor splice site typically lead to a loss of protein function (PMID: 16199547), and loss-of-function variants in ALG12 are known to be pathogenic (PMID: 15639192, 31481313).

Literature cited by the submitters: PubMed 16199547; PubMed 15639192; PubMed 31481313.

NM_024105.4(ALG12):c.439_469+19del

Gene: ALG12 (ALG12 alpha-1,6-mannosyltransferase; minus strand). Cytogenetic location: 22q13.33.
Variant type: Deletion.
Coding change: c.439_469+19del on transcript NM_024105.4 (MANE Select); coding-DNA position 439 through 19 bases into the intron after coding-DNA position 469, 50 bases deleted.
Molecular consequence: splice donor variant.
Genome position (GRCh38, 1-based): chr22:49,910,415-49,910,464, 50 bases deleted; deleting any 50 consecutive bases within chr22:49,910,415-49,910,467 gives the same sequence; the c. name uses the placement nearest the transcript's 3' end. GRCh37 (hg19): chr22:50,304,066-50,304,115.
Identifiers: ClinVar variation 2093729 (VCV002093729.4), dbSNP rs2519269133, ClinGen allele CA2580099960.